The following is an entry in ClinVar:

NM_000051.4(ATM):c.4144C>G (p.Pro1382Ala)

Gene: ATM (ATM serine/threonine kinase; plus strand). Cytogenetic location: 11q22.3.
Variant type: single nucleotide variant.
Coding change: c.4144C>G on transcript NM_000051.4 (MANE Select); coding-DNA position 4144, C replaced by G.
Protein change: p.Pro1382Ala; replaces proline 1382 with alanine.
Molecular consequence: missense variant.
Genome position (GRCh38, 1-based): chr11:108,289,011, C>G. VCF-style: chr11-108289011-C-G. GRCh37 (hg19) VCF-style: chr11-108159738-C-G.
Other names: c.4144C>G, p.Pro1382Ala (NM_001351834.2); short protein forms P1382A.
Identifiers: ClinVar variation 1738192 (VCV001738192.3), dbSNP rs55859590, ClinGen allele CA382529952.

ClinVar aggregate classification (germline): Uncertain significance (1 of 4 stars; one submission).

Conditions:
Hereditary cancer-predisposing syndrome. Also called: Neoplastic Syndromes, Hereditary; Tumor predisposition; Hereditary Cancer Syndrome; Hereditary neoplastic syndrome. Identifiers: Orphanet 140162, MedGen C0027672, MeSH D009386, MONDO:0015356.

Submission:

Ambry Genetics
Classification: Uncertain significance for Hereditary cancer-predisposing syndrome. Last evaluated: 2024-06-11. Review status: criteria provided, single submitter. Criteria: Ambry Variant Classification Scheme 2023. Collection method: clinical testing. Allele origin: germline.
Comment: The p.P1382A variant (also known as c.4144C>G), located in coding exon 27 of the ATM gene, results from a C to G substitution at nucleotide position 4144. The proline at codon 1382 is replaced by alanine, an amino acid with highly similar properties. This amino acid position is well conserved in available vertebrate species. In addition, this alteration is predicted to be tolerated by in silico analysis. Based on the available evidence, the clinical significance of this variant remains unclear.